The following is an entry in ClinVar:

NM_000051.4(ATM):c.344T>G (p.Leu115Arg)

Gene: ATM (ATM serine/threonine kinase; plus strand). Cytogenetic location: 11q22.3.
Variant type: single nucleotide variant.
Coding change: c.344T>G on transcript NM_000051.4 (MANE Select); coding-DNA position 344, T replaced by G.
Protein change: p.Leu115Arg; replaces leucine 115 with arginine.
Molecular consequence: missense variant.
Genome position (GRCh38, 1-based): chr11:108,235,682, T>G. VCF-style: chr11-108235682-T-G. GRCh37 (hg19) VCF-style: chr11-108106409-T-G.
Other names: c.344T>G, p.Leu115Arg (NM_001351834.2); short protein forms L115R.
Identifiers: ClinVar variation 232480 (VCV000232480.5), dbSNP rs876659791, ClinGen allele CA10578955.

ClinVar aggregate classification (germline): Uncertain significance (1 of 4 stars; one submission).

Conditions:
Hereditary cancer-predisposing syndrome. Also called: Neoplastic Syndromes, Hereditary; Tumor predisposition; Hereditary Cancer Syndrome; Hereditary neoplastic syndrome. Identifiers: Orphanet 140162, MedGen C0027672, MeSH D009386, MONDO:0015356.

Submission:

Ambry Genetics
Classification: Uncertain significance for Hereditary cancer-predisposing syndrome. Last evaluated: 2015-06-22. Review status: criteria provided, single submitter. Criteria: Ambry Variant Classification Scheme 2023. Collection method: clinical testing. Allele origin: germline.
Comment: The p.L115R variant (also known as c.344T>G), located in coding exon 4 of the ATM gene, results from a T to G substitution at nucleotide position 344. The leucine at codon 115 is replaced by arginine, an amino acid with dissimilar properties. This variant was not reported in population based cohorts in the following databases: Database of Single Nucleotide Polymorphisms (dbSNP), NHLBI Exome Sequencing Project (ESP), and 1000 Genomes Project. In the ESP, this variant was not observed in 6499 samples (12998 alleles) with coverage at this position. To date, this alteration has been detected with an allele frequency of approximately 0.002% (greater than 65000 alleles tested) in our clinical cohort. This amino acid position is highly conserved in available vertebrate species. In addition, this alteration is predicted to be deleterious by in silico analysis. Since supporting evidence is limited at this time, the clinical significance of p.L115R remains unclear.